The following is an entry in ClinVar:

NM_001165963.4(SCN1A):c.1594A>G (p.Lys532Glu)

Gene: SCN1A (sodium voltage-gated channel alpha subunit 1; minus strand). Cytogenetic location: 2q24.3.
Variant type: single nucleotide variant.
Coding change: c.1594A>G on transcript NM_001165963.4 (MANE Select); coding-DNA position 1594, A replaced by G.
Protein change: p.Lys532Glu; replaces lysine 532 with glutamic acid.
Molecular consequence: missense variant. On other transcripts: 5 prime UTR variant (1), non-coding transcript variant (1).
Genome position (GRCh38, 1-based): chr2:166,045,111, T>C on the plus strand (A>G on the coding strand, the complement: SCN1A is on the minus strand). VCF-style: chr2-166045111-T-C. GRCh37 (hg19) VCF-style: chr2-166901621-T-C.
Other names: c.1594A>G, p.Lys532Glu (NM_001165964.3, NM_001202435.3, NM_001353948.2 and 7 more transcripts); c.1591A>G, p.Lys531Glu (NM_001353954.2, NM_001353955.2, NM_001353960.2); c.-832A>G (NM_001353961.2); short protein forms K531E, K532E.
Identifiers: ClinVar variation 2750406 (VCV002750406.3), dbSNP rs1553545507, ClinGen allele CA349069228.

ClinVar aggregate classification (germline): Uncertain significance (1 of 4 stars; one submission).

Conditions:
Early-infantile DEE. Also called: Ohtahara syndrome; Early infantile epileptic encephalopathy; Early infantile epileptic encephalopathy with suppression bursts. Identifiers: Orphanet 1934, MedGen C0393706, MONDO:0800491.

Submission:

Labcorp Genetics (formerly Invitae), Labcorp
Classification: Uncertain significance for Early-infantile DEE. Last evaluated: 2023-08-23. Review status: criteria provided, single submitter. Criteria: Invitae Variant Classification Sherloc (09022015). Collection method: clinical testing. Allele origin: germline.
Comment: In summary, the available evidence is currently insufficient to determine the role of this variant in disease. Therefore, it has been classified as a Variant of Uncertain Significance. Advanced modeling of protein sequence and biophysical properties (such as structural, functional, and spatial information, amino acid conservation, physicochemical variation, residue mobility, and thermodynamic stability) performed at Invitae indicates that this missense variant is not expected to disrupt SCN1A protein function. This variant has not been reported in the literature in individuals affected with SCN1A-related conditions. This variant is not present in population databases (gnomAD no frequency). This sequence change replaces lysine, which is basic and polar, with glutamic acid, which is acidic and polar, at codon 532 of the SCN1A protein (p.Lys532Glu).